The following is an entry in ClinVar:

NM_000136.3(FANCC):c.892T>C (p.Phe298Leu)

Genes: AOPEP (aminopeptidase O (putative); plus strand), FANCC (FA complementation group C; minus strand). Cytogenetic location: 9q22.32.
Variant type: single nucleotide variant.
Coding change: c.892T>C on transcript NM_000136.3 (MANE Select); coding-DNA position 892, T replaced by C.
Protein change: p.Phe298Leu; replaces phenylalanine 298 with leucine.
Molecular consequence: missense variant.
Genome position (GRCh38, 1-based): chr9:95,126,533, A>G on the plus strand (T>C on the coding strand, the complement: FANCC is on the minus strand). VCF-style: chr9-95126533-A-G. GRCh37 (hg19) VCF-style: chr9-97888815-A-G.
Other names: c.892T>C, p.Phe298Leu (NM_001243743.2, NM_001243744.2); short protein forms F298L.
Identifiers: ClinVar variation 4022440 (VCV004022440.1).
Genomic context (GRCh38, chr9:95,126,533, plus strand): 5'-CTTGGAAATGGAACCTTTTTTACATCAATTACTAGAAGAAACAGTGTAACGTTTACCTGA[A>G]CATCTCATCAACAACCCGGAATATGGCAGGGTGGCAGGCTGCTTGAGGCTGTAAAAGGAG-3'
Protein context (NP_000127.2, residues 288-308): PAIFRVVDEM[Phe298Leu]RCALLETDGA

ClinVar aggregate classification (germline): Uncertain significance (1 of 4 stars; one submission).

Conditions:
Hereditary cancer-predisposing syndrome. Also called: Tumor predisposition; Hereditary neoplastic syndrome; Neoplastic Syndromes, Hereditary; Hereditary Cancer Syndrome. Identifiers: Orphanet 140162, MedGen C0027672, MeSH D009386, MONDO:0015356.

Submission:

Ambry Genetics
Classification: Uncertain significance for Hereditary cancer-predisposing syndrome. Last evaluated: 2025-06-13. Review status: criteria provided, single submitter. Criteria: Ambry Variant Classification Scheme 2023. Collection method: clinical testing. Allele origin: germline.
Comment: The p.F298L variant (also known as c.892T>C), located in coding exon 8 of the FANCC gene, results from a T to C substitution at nucleotide position 892. The phenylalanine at codon 298 is replaced by leucine, an amino acid with highly similar properties. This amino acid position is conserved. In addition, this alteration is predicted to be tolerated by in silico analysis. Based on the available evidence, the clinical significance of this variant remains unclear.